The following is an entry in ClinVar:

NM_000307.5(POU3F4):c.923T>G (p.Ile308Ser)

Gene: POU3F4 (POU class 3 homeobox 4; plus strand). Cytogenetic location: Xq21.1.
Variant type: single nucleotide variant.
Coding change: c.923T>G on transcript NM_000307.5 (MANE Select); coding-DNA position 923, T replaced by G.
Protein change: p.Ile308Ser; replaces isoleucine 308 with serine.
Molecular consequence: missense variant.
Genome position (GRCh38, 1-based): chrX:83,509,247, T>G. VCF-style: chrX-83509247-T-G. GRCh37 (hg19) VCF-style: chrX-82764255-T-G.
Other names: short protein forms I308S.
Identifiers: ClinVar variation 3897088 (VCV003897088.1).

ClinVar aggregate classification (germline): Uncertain significance (1 of 4 stars; one submission).

Submission:

GeneDx
Classification: Uncertain significance. Last evaluated: 2024-11-01. Review status: criteria provided, single submitter. Criteria: GeneDx Variant Classification Process June 2021. Collection method: clinical testing. Allele origin: germline. Affected: yes.
Comment: Has not been previously published as pathogenic or benign to our knowledge; Not observed at significant frequency in large population cohorts (gnomAD); In silico analysis supports that this missense variant has a deleterious effect on protein structure/function